The following is an entry in ClinVar:

NM_024577.4(SH3TC2):c.1972C>T (p.Arg658Cys)

Gene: SH3TC2 (SH3 domain and tetratricopeptide repeats 2; minus strand). Cytogenetic location: 5q32.
Variant type: single nucleotide variant.
Coding change: c.1972C>T on transcript NM_024577.4 (MANE Select); coding-DNA position 1972, C replaced by T.
Protein change: p.Arg658Cys; replaces arginine 658 with cysteine.
Molecular consequence: missense variant.
Genome position (GRCh38, 1-based): chr5:149,027,760, G>A on the plus strand (C>T on the coding strand, the complement: SH3TC2 is on the minus strand). VCF-style: chr5-149027760-G-A. GRCh37 (hg19) VCF-style: chr5-148407323-G-A.
Other names: short protein forms R658C.
Identifiers: ClinVar variation 21690 (VCV000021690.68), dbSNP rs80338926, ClinGen allele CA342372.
Genomic context (GRCh38, chr5:149,027,760, plus strand): 5'-AACTCAAAACACTGGCCACAGCCTCAGAGGCAGGAGGGTGTCCAGAGAGGAGCTGCAGGC[G>A]CTCGGCAAAGGGCAGGACCTCCTCGTGCCGGCCTAGGCTCAGGAGCAAGCGGATGGCCAG-3'
Protein context (NP_078853.2, residues 648-668): RHEEVLPFAE[Arg658Cys]LQLLSGHPPA

ClinVar aggregate classification (germline): Pathogenic/Likely pathogenic. Review status: criteria provided, multiple submitters, no conflicts (2 of 4 stars). 14 submissions from 14 submitters: Pathogenic (9); Likely pathogenic (4). 1 of the submissions does not count toward it. Last evaluated 2026-06-24.

Conditions:
SH3TC2-related disorder. Also called: SH3TC2-related disorders; SH3TC2-related condition. Identifiers: MedGen CN239303.
Charcot-Marie-Tooth disease. Also called: Charcot-Marie-Tooth Hereditary Neuropathy; Charcot-Marie-Tooth Neuropathy. Identifiers: Orphanet 166, MedGen C0007959, MONDO:0015626.
Susceptibility to mononeuropathy of the median nerve, mild. Also called: CARPAL TUNNEL SYNDROME, SUSCEPTIBILITY TO. Identifiers: MedGen C3150596, MONDO:0013237, OMIM 613353.
Charcot-Marie-Tooth disease type 4C (CMT4C). Also called: CMT 4C; CHARCOT-MARIE-TOOTH DISEASE, DEMYELINATING, TYPE 4C; CHARCOT-MARIE-TOOTH DISEASE, DEMYELINATING, AUTOSOMAL RECESSIVE, TYPE 4C; SH3TC2-Related Hereditary Motor and Sensory Neuropathy; Charcot-Marie-Tooth Neuropathy Type 4C (CMT4C). Identifiers: Orphanet 99949, MedGen C1866636, MONDO:0011113, OMIM 601596.
Inborn genetic diseases. Identifiers: MedGen C0950123, MeSH D030342.
Charcot-Marie-Tooth disease type 4. Also called: Charcot-Marie-Tooth disease, type IV; Charcot-Marie-Tooth, Type 4. Identifiers: Orphanet 64749, MedGen C4082197, MONDO:0018995.

Allele frequency attached by ClinVar (database versions not stated): gnomAD 0.00003; ExAC 0.00004; TOPMed 0.00004.
gnomAD v4.1: 39 of 1,613,838 alleles (0.0024%); highest among the groups gnomAD compares: Non-Finnish European, 0.0029%; no homozygotes.

Submissions (14):

PreventionGenetics, part of Exact Sciences
Classification: Pathogenic for SH3TC2-related condition. Last evaluated: 2026-06-24. Review status: criteria provided, single submitter. Criteria: ACMG Guidelines, 2015. Collection method: clinical testing. Allele origin: germline.
Comment: The SH3TC2 c.1972C>T variant is predicted to result in the amino acid substitution p.Arg658Cys. This variant was in the compound heterozygous and homozygous state in multiple patients with Charcot-Marie-Tooth disease (CMT) type 4C (Senderek et al. 2003. PubMed ID: 14574644; Azzedine et al. 2006. PubMed ID: 16924012; Rehbein et al. 2023. PubMed ID: 36947133). This variant affects the cellular localization of the SH3TC2 protein in the plasma membrane and endocytic pathway (Lupo et al. 2009. PubMed ID: 19744956). This variant is reported in 0.0040% of alleles in individuals of African descent in gnomAD. This variant is interpreted as pathogenic for autosomal recessive SH3TC2-related disorders.

Labcorp Genetics (formerly Invitae), Labcorp
Classification: Pathogenic for Charcot-Marie-Tooth disease type 4. Last evaluated: 2025-10-21. Review status: criteria provided, single submitter. Criteria: Invitae Variant Classification Sherloc (09022015). Collection method: clinical testing. Allele origin: germline.
Comment: This sequence change replaces arginine, which is basic and polar, with cysteine, which is neutral and slightly polar, at codon 658 of the SH3TC2 protein (p.Arg658Cys). This variant is present in population databases (rs80338926, gnomAD 0.004%). This missense change has been observed in individual(s) with Charcot-Marie-Tooth disease type 4C (PMID: 14574644, 16924012, 21291453, 22462672). In at least one individual the data is consistent with being in trans (on the opposite chromosome) from a pathogenic variant. It has also been observed to segregate with disease in related individuals. ClinVar contains an entry for this variant (Variation ID: 21690). Invitae Evidence Modeling of protein sequence and biophysical properties (such as structural, functional, and spatial information, amino acid conservation, physicochemical variation, residue mobility, and thermodynamic stability) indicates that this missense variant is not expected to disrupt SH3TC2 protein function with a negative predictive value of 95%. Experimental studies have shown that this missense change affects SH3TC2 function (PMID: 19744956). For these reasons, this variant has been classified as Pathogenic.

Daryl Scott Lab, Baylor College of Medicine
Classification: Pathogenic for SH3TC2-related disorder. Last evaluated: 2025-08-25. Review status: criteria provided, single submitter. Criteria: ACMG Guidelines, 2015. Collection method: clinical testing. Allele origin: maternal. Affected: yes. Observed: 1 heterozygote.
Comment: PS3, PS4, PM2, PM3

Ambry Genetics
Classification: Pathogenic for Inborn genetic diseases. Last evaluated: 2023-09-19. Review status: criteria provided, single submitter. Criteria: Ambry Variant Classification Scheme 2023. Collection method: clinical testing. Allele origin: germline.
Comment: The c.1972C>T (p.R658C) alteration is located in exon 11 (coding exon 11) of the SH3TC2 gene. This alteration results from a C to T substitution at nucleotide position 1972, causing the arginine (R) at amino acid position 658 to be replaced by a cysteine (C). Based on data from gnomAD, the T allele has an overall frequency of 0.003% (7/282422) total alleles studied. The highest observed frequency was 0.004% (1/24950) of African alleles. This alteration was detected in the homozygous state, and in conjunction with another alteration in SH3TC2, in multiple individuals with autosomal recessive SH3TC2-related Charcot-Marie-Tooth disease, type 4 (Thomas, 2022; Taghizadeh, 2020; Yger, 2012; Lussuthova, 2011; Azzedine, 2006; Senderek, 2003). This amino acid position is not well conserved in available vertebrate species. Functional studies show the p.R658C alteration is located around the first TPR domain and affects protein localization (Lupo, 2009). The in silico prediction for this alteration is inconclusive. Based on the available evidence, this alteration is classified as pathogenic.

Mayo Clinic Laboratories, Mayo Clinic
Classification: Pathogenic. Last evaluated: 2023-07-12. Review status: criteria provided, single submitter. Criteria: ACMG Guidelines, 2015. Collection method: clinical testing. Allele origin: germline. Observed: 1 variant allele.
Comment: PP1, PM3_very_strong, PS3_moderate, PS4

Athena Diagnostics
Classification: Pathogenic. Last evaluated: 2022-11-21. Review status: criteria provided, single submitter. Criteria: Athena Diagnostics Criteria. Collection method: clinical testing. Allele origin: unknown.
Comment: The frequency of this variant in the general population is consistent with pathogenicity. This variant segregates with CMT in multiple families. In multiple individuals, this variant has been seen with a single recessive pathogenic variant in the same gene, suggesting this variant may also be pathogenic. Computational tools predict that this variant is damaging.

Fulgent Genetics
Classification: Pathogenic for Charcot-Marie-Tooth disease type 4C; Susceptibility to mononeuropathy of the median nerve, mild. Last evaluated: 2022-01-12. Review status: criteria provided, single submitter. Criteria: ACMG Guidelines, 2015. Collection method: clinical testing. Allele origin: unknown.

GeneDx
Classification: Pathogenic. Last evaluated: 2021-12-21. Review status: criteria provided, single submitter. Criteria: GeneDx Variant Classification Process June 2021. Collection method: clinical testing. Allele origin: germline. Affected: yes.
Comment: Functional studies show that R658C alters protein localization (Lupo et al., 2009; Roberts et al., 2010); Not observed at significant frequency in large population cohorts (gnomAD); In silico analysis supports that this missense variant has a deleterious effect on protein structure/function; This variant is associated with the following publications: (PMID: 21291453, 19744956, 14574644, 31589614, 32376792, 20301514, 22462672, 16924012, 20028792)

Revvity Omics, Revvity
Classification: Likely pathogenic. Last evaluated: 2020-03-20. Review status: criteria provided, single submitter. Criteria: ACMG Guidelines, 2015. Collection method: clinical testing. Allele origin: germline.

Equipe Genetique des Anomalies du Developpement, Université de Bourgogne
Classification: Likely pathogenic for Charcot-Marie-Tooth disease type 4C. Last evaluated: 2019-08-21. Review status: criteria provided, single submitter. Criteria: ACMG Guidelines, 2015. Collection method: clinical testing. Allele origin: maternal. Affected: yes.

Knight Diagnostic Laboratories, Oregon Health and Sciences University
Classification: Likely pathogenic for Mononeuropathy of the median nerve, mild. Last evaluated: 2018-05-11. Review status: criteria provided, single submitter. Criteria: ACMG Guidelines, 2015. Collection method: clinical testing. Allele origin: germline. Observed: 1 variant allele.

CeGaT Center for Human Genetics Tuebingen
Classification: Pathogenic. Last evaluated: 2016-10-01. Review status: criteria provided, single submitter. Criteria: CeGaT Center For Human Genetics Tuebingen Variant Classification Criteria Version 2. Collection method: clinical testing. Allele origin: germline. Affected: yes. Observed: 1 variant allele.

Molecular Genetics Laboratory, London Health Sciences Centre
Classification: Likely pathogenic for Charcot-Marie-Tooth disease. Review status: criteria provided, single submitter. Criteria: ACMG Guidelines, 2015. Collection method: clinical testing. Allele origin: germline. Affected: yes.

GeneReviews
No classification provided. Condition: Charcot-Marie-Tooth disease type 4C. Review status: no classification provided. Collection method: literature only. Allele origin: unknown. Not counted in ClinVar's aggregate classification.

Literature cited by the submitters: PubMed 14574644 (cited by 5 submitters); PubMed 16924012 (cited by 4 submitters); PubMed 21291453 (cited by 4 submitters); PubMed 22462672 (cited by 4 submitters); PubMed 19744956 (cited by 4 submitters); PubMed 32657593 (cited by Ambry Genetics); PubMed 34085946 (cited by Ambry Genetics); PubMed 20028792 (cited by Athena Diagnostics); PubMed 20301514 (cited by GeneReviews); NCBI Bookshelf NBK1340 (cited by GeneReviews).